The following is an entry in ClinVar:

ClinVar aggregate classification (germline): Uncertain significance (1 of 4 stars; one submission).

Submission:

Labcorp Genetics (formerly Invitae), Labcorp
Classification: Uncertain significance. Last evaluated: 2023-10-03. Review status: criteria provided, single submitter. Criteria: Invitae Variant Classification Sherloc (09022015). Collection method: clinical testing. Allele origin: germline.
Comment: This sequence change replaces asparagine, which is neutral and polar, with isoleucine, which is neutral and non-polar, at codon 423 of the ADAMTS18 protein (p.Asn423Ile). This variant is not present in population databases (gnomAD no frequency). This variant has not been reported in the literature in individuals affected with ADAMTS18-related conditions. ClinVar contains an entry for this variant (Variation ID: 2126329). An algorithm developed to predict the effect of missense changes on protein structure and function (PolyPhen-2) suggests that this variant is likely to be disruptive. In summary, the available evidence is currently insufficient to determine the role of this variant in disease. Therefore, it has been classified as a Variant of Uncertain Significance.

NM_199355.4(ADAMTS18):c.1268A>T (p.Asn423Ile)

Gene: ADAMTS18 (ADAM metallopeptidase with thrombospondin type 1 motif 18; minus strand). Cytogenetic location: 16q23.1.
Variant type: single nucleotide variant.
Coding change: c.1268A>T on transcript NM_199355.4 (MANE Select); coding-DNA position 1268, A replaced by T.
Protein change: p.Asn423Ile; replaces asparagine 423 with isoleucine.
Molecular consequence: missense variant.
Genome position (GRCh38, 1-based): chr16:77,359,372, T>A on the plus strand (A>T on the coding strand, the complement: ADAMTS18 is on the minus strand). VCF-style: chr16-77359372-T-A. GRCh37 (hg19) VCF-style: chr16-77393269-T-A.
Other names: c.752A>T, p.Asn251Ile (NM_001326358.2); short protein forms N251I, N423I.
Identifiers: ClinVar variation 2126329 (VCV002126329.4), dbSNP rs760101011, ClinGen allele CA396835123.
Genomic context (GRCh38, chr16:77,359,372, plus strand): 5'-ACTTACTTGTGCCCTGACTCATGAGCGATGGTGAAGGCAAGGCCAAGTCCTGTGTCCTCA[T>A]TGATGGTACAACTTCGGTACTTAGAGCACATTCCACTGATGGGGGCAAACCCTATTGAAA-3'
Protein context (NP_955387.1, residues 413-433): MCSKYRSCTI[Asn423Ile]EDTGLGLAFT